The following is an entry in ClinVar:

ClinVar aggregate classification (germline): Uncertain significance (1 of 4 stars; one submission).

gnomAD v4.1: 1 of 1,614,178 alleles (0.000062%); highest among the groups gnomAD compares: South Asian, 0.0011%; no homozygotes.

Submission:

GeneDx
Classification: Uncertain significance. Last evaluated: 2025-01-27. Review status: criteria provided, single submitter. Criteria: GeneDx Variant Classification Process June 2021. Collection method: clinical testing. Allele origin: germline. Affected: yes.
Comment: Not observed at significant frequency in large population cohorts (gnomAD); In silico analysis indicates that this missense variant does not alter protein structure/function; Has not been previously published as pathogenic or benign to our knowledge; This variant is associated with the following publications: (PMID: 21520338, 31554319, 9590290, 16718611)

NM_005422.4(TECTA):c.5506C>G (p.Gln1836Glu)

Genes: TBCEL-TECTA (TBCEL-TECTA readthrough; plus strand), TECTA (tectorin alpha; plus strand). Cytogenetic location: 11q23.3.
Variant type: single nucleotide variant.
Coding change: c.5506C>G on transcript NM_005422.4 (MANE Select); coding-DNA position 5506, C replaced by G.
Protein change: p.Gln1836Glu; replaces glutamine 1836 with glutamic acid.
Molecular consequence: missense variant.
Genome position (GRCh38, 1-based): chr11:121,166,700, C>G. VCF-style: chr11-121166700-C-G. GRCh37 (hg19) VCF-style: chr11-121037409-C-G.
Other names: c.6448C>G, p.Gln2150Glu (NM_001378761.1); short protein forms Q1836E, Q2150E.
Identifiers: ClinVar variation 4071771 (VCV004071771.1).